The following is an entry in ClinVar:

NM_000059.4(BRCA2):c.8775_8777dup (p.Leu2926_Arg2927insLeu)

Gene: BRCA2 (BRCA2 DNA repair associated; plus strand). Cytogenetic location: 13q13.1.
Variant type: Duplication.
Coding change: c.8775_8777dup on transcript NM_000059.4 (MANE Select); coding-DNA positions 8775 to 8777, 3 bases duplicated (GTT; older notation c.8775_8777dupGTT).
Protein change: p.Leu2926_Arg2927insLeu.
Molecular consequence: inframe insertion. On other transcripts: non-coding transcript variant (1).
Genome position (GRCh38, 1-based): chr13:32,379,337-32,379,339, GTT duplicated. VCF-style (leftmost placement, unchanged base first): chr13-32379336-A-AGTT. GRCh37 (hg19) VCF-style: chr13-32953473-A-AGTT.
Other names: c.8679_8681dup, p.Leu2894_Arg2895insLeu (NM_001406719.1); c.8775_8777dup, p.Leu2926_Arg2927insLeu (NM_001406720.1); c.3843_3845dup, p.Leu1282_Arg1283insLeu (NM_001406721.1); c.2358_2360dup, p.Leu787_Arg788insLeu (NM_001406722.1).
Identifiers: ClinVar variation 2839336 (VCV002839336.3), dbSNP rs2548554959, ClinGen allele CA2739277522.

ClinVar aggregate classification (germline): Uncertain significance (1 of 4 stars; one submission).

Conditions:
Hereditary breast ovarian cancer syndrome. Also called: Hereditary breast and ovarian cancer syndrome (HBOC); Breast and ovarian cancer; BRCA1- and BRCA2-Associated Hereditary Breast and Ovarian Cancer; Hereditary breast and ovarian cancer syndrome; Hereditary breast and ovarian cancer; Hereditary breast and/or ovarian cancer syndrome. Identifiers: Orphanet 145, MedGen C0677776, MeSH D061325, MONDO:0003582. Disease mechanism: loss of function.

Submission:

Labcorp Genetics (formerly Invitae), Labcorp
Classification: Uncertain significance for Hereditary breast ovarian cancer syndrome. Last evaluated: 2023-05-17. Review status: criteria provided, single submitter. Criteria: Invitae Variant Classification Sherloc (09022015). Collection method: clinical testing. Allele origin: germline.
Comment: This variant, c.8775_8777dup, results in the insertion of 1 amino acid(s) of the BRCA2 protein (p.Leu2926dup), but otherwise preserves the integrity of the reading frame. This variant is not present in population databases (gnomAD no frequency). This variant has not been reported in the literature in individuals affected with BRCA2-related conditions. In summary, the available evidence is currently insufficient to determine the role of this variant in disease. Therefore, it has been classified as a Variant of Uncertain Significance.